The following is an entry in ClinVar:

NM_000202.8(IDS):c.1356_1366del (p.Tyr452_Asn456delinsTer)

Gene: IDS (iduronate 2-sulfatase; minus strand). Cytogenetic location: Xq28.
Variant type: Deletion.
Coding change: c.1356_1366del on transcript NM_000202.8 (MANE Select); coding-DNA positions 1356 to 1366, 11 bases deleted (CCTCCCTGGTA).
Protein change: p.Tyr452_Asn456delinsTer.
Molecular consequence: nonsense.
Genome position (GRCh38, 1-based): chrX:149,483,033-149,483,043, TACCAGGGAGG deleted on the plus strand (CCTCCCTGGTA on the coding strand, the reverse complement: IDS is on the minus strand); deleting any 11 consecutive bases within chrX:149,483,033-149,483,046 gives the same sequence; the c. name uses the placement nearest the transcript's 3' end. VCF-style (leftmost placement, unchanged base first): chrX-149483032-TTACCAGGGAGG-T. GRCh37 (hg19) VCF-style: chrX-148564563-TTACCAGGGAGG-T.
Other names: c.1086_1096del, p.Tyr362_Asn366delinsTer (NM_001166550.4).
Identifiers: ClinVar variation 3256035 (VCV003256035.2).

ClinVar aggregate classification (germline): Pathogenic (1 of 4 stars; one submission).

Conditions:
Mucopolysaccharidosis, MPS-II (MPS2). Also called: Hunter Syndrome; IDURONATE 2-SULFATASE DEFICIENCY; Mucopolysaccharidosis Type II; Mucopolysaccharidosis type 2; Attenuated MPS (subtype; formerly known as mild MPS II); Severe MPS II. Identifiers: Orphanet 580, Orphanet 79388, MedGen C0026705, MONDO:0010674, OMIM 309900.

Submission:

Laboratory of Diagnosis and Therapy of Lysosomal Disorders, University of Padova
Classification: Pathogenic for Mucopolysaccharidosis, MPS-II. Last evaluated: 2024-06-07. Review status: criteria provided, single submitter. Criteria: ACMG Guidelines, 2015. Collection method: literature only. Allele origin: germline. Affected: yes. Observed: 1 variant allele.
Comment: Null variant (PVS1_Strong), Absent from controls (or at low frequency) in gnomAD database (PM2_Moderate), Patient’s phenotype or family history highly specific for the disease (PP4_Strong)

Classification method: ACMG Guidelines [PMID:25741868] with modifications

Literature cited by the submitters: PubMed 27246110.